The following is an entry in ClinVar:

NM_000264.5(PTCH1):c.1661G>A (p.Ser554Asn)

Gene: PTCH1 (patched 1; minus strand). Cytogenetic location: 9q22.32.
Variant type: single nucleotide variant.
Coding change: c.1661G>A on transcript NM_000264.5 (MANE Select); coding-DNA position 1661, G replaced by A.
Protein change: p.Ser554Asn; replaces serine 554 with asparagine.
Molecular consequence: missense variant. On other transcripts: non-coding transcript variant (1).
Genome position (GRCh38, 1-based): chr9:95,476,101, C>T on the plus strand (G>A on the coding strand, the complement: PTCH1 is on the minus strand). VCF-style: chr9-95476101-C-T. GRCh37 (hg19) VCF-style: chr9-98238383-C-T.
Other names: c.1463G>A, p.Ser488Asn (NM_001083602.3); c.1658G>A, p.Ser553Asn (NM_001083603.3); c.1208G>A, p.Ser403Asn (NM_001083604.3, NM_001083605.3, NM_001083606.3 and 1 more transcripts); c.1505G>A, p.Ser502Asn (NM_001354918.2); short protein forms S488N, S554N, S553N, S403N, S502N.
Identifiers: ClinVar variation 216374 (VCV000216374.19), dbSNP rs148367880, ClinGen allele CA337169.

ClinVar aggregate classification (germline): Likely benign. Review status: criteria provided, multiple submitters, no conflicts (2 of 4 stars). 4 submissions from 4 submitters: Likely benign (3). 1 of the submissions does not count toward it. Last evaluated 2026-02-01.

Conditions:
Hereditary cancer-predisposing syndrome. Also called: Tumor predisposition; Hereditary Cancer Syndrome; Neoplastic Syndromes, Hereditary; Hereditary neoplastic syndrome. Identifiers: Orphanet 140162, MedGen C0027672, MeSH D009386, MONDO:0015356.
Gorlin syndrome. Also called: Nevoid Basal Cell Carcinoma Syndrome; Basal cell nevus syndrome. Identifiers: Orphanet 377, MedGen C0004779, MONDO:0007187.
PTCH1-related disorder. Also called: PTCH1-related disorders; PTCH1-related condition.

Allele frequency attached by ClinVar (database versions not stated): ExAC 0.00003; gnomAD exomes 0.00003 and 0.00004; ESP Exome Variant Server 0.00008; gnomAD 0.00019; 1000 Genomes Project 30x 0.00047; 1000 Genomes Project 0.00060; TOPMed 0.00064.
gnomAD v4.1: 58 of 1,613,888 alleles (0.0036%); highest among the groups gnomAD compares: Admixed American, 0.077%; no homozygotes.

Submissions (4):

Labcorp Genetics (formerly Invitae), Labcorp
Classification: Likely benign for Gorlin syndrome. Last evaluated: 2026-02-01. Review status: criteria provided, single submitter. Criteria: Invitae Variant Classification Sherloc (09022015). Collection method: clinical testing. Allele origin: germline.

Ambry Genetics
Classification: Likely benign for Hereditary cancer-predisposing syndrome. Last evaluated: 2019-01-11. Review status: criteria provided, single submitter. Criteria: Ambry Variant Classification Scheme 2023. Collection method: clinical testing. Allele origin: germline.

GeneDx
Classification: Likely benign. Last evaluated: 2018-04-03. Review status: criteria provided, single submitter. Criteria: GeneDx Variant Classification (06012015). Collection method: clinical testing. Allele origin: germline. Affected: yes.
Comment: This variant is considered likely benign or benign based on one or more of the following criteria: it is a conservative change, it occurs at a poorly conserved position in the protein, it is predicted to be benign by multiple in silico algorithms, and/or has population frequency not consistent with disease.

PreventionGenetics, part of Exact Sciences
Classification: Likely benign for PTCH1-related condition. Last evaluated: 2023-08-14. Review status: no assertion criteria provided. Collection method: clinical testing. Allele origin: germline. Not counted in ClinVar's aggregate classification.
Comment: This variant is classified as likely benign based on ACMG/AMP sequence variant interpretation guidelines (Richards et al. 2015 PMID: 25741868, with internal and published modifications).